The following is an entry in ClinVar:

NM_021999.5(ITM2B):c.564+6A>G

Gene: ITM2B (integral membrane protein 2B; plus strand). Cytogenetic location: 13q14.2.
Variant type: single nucleotide variant.
Coding change: c.564+6A>G on transcript NM_021999.5 (MANE Select); 6 bases into the intron after coding-DNA position 564, A replaced by G.
Molecular consequence: intron variant.
Genome position (GRCh38, 1-based): chr13:48,258,242, A>G. VCF-style: chr13-48258242-A-G. GRCh37 (hg19) VCF-style: chr13-48832378-A-G.
Identifiers: ClinVar variation 2017688 (VCV002017688.4), dbSNP rs2542059838, ClinGen allele CA2580087555.

ClinVar aggregate classification (germline): Uncertain significance (1 of 4 stars; one submission).

Submission:

Labcorp Genetics (formerly Invitae), Labcorp
Classification: Uncertain significance. Last evaluated: 2022-07-16. Review status: criteria provided, single submitter. Criteria: Invitae Variant Classification Sherloc (09022015). Collection method: clinical testing. Allele origin: germline.
Comment: This sequence change falls in intron 4 of the ITM2B gene. It does not directly change the encoded amino acid sequence of the ITM2B protein. It affects a nucleotide within the consensus splice site. This variant is not present in population databases (gnomAD no frequency). This variant has not been reported in the literature in individuals affected with ITM2B-related conditions. Variants that disrupt the consensus splice site are a relatively common cause of aberrant splicing (PMID: 17576681, 9536098). Algorithms developed to predict the effect of sequence changes on RNA splicing suggest that this variant is not likely to affect RNA splicing. In summary, the available evidence is currently insufficient to determine the role of this variant in disease. Therefore, it has been classified as a Variant of Uncertain Significance.

Literature cited by the submitters: PubMed 17576681; PubMed 9536098.